The following is an entry in ClinVar:

ClinVar aggregate classification (germline): Uncertain significance. Review status: criteria provided, multiple submitters, no conflicts (2 of 4 stars). 2 submissions from 2 submitters: Uncertain significance (2). Last evaluated 2023-12-07.

Conditions:
Inborn genetic diseases. Identifiers: MedGen C0950123, MeSH D030342.

Allele frequency attached by ClinVar (database versions not stated): gnomAD 0.00002; TOPMed 0.00009; ExAC 0.00016.
gnomAD v4.1: 8 of 1,557,210 alleles (0.00051%); highest among the groups gnomAD compares: Admixed American, 0.013%; no homozygotes.

Submissions (2):

Ambry Genetics
Classification: Uncertain significance for Inborn genetic diseases. Last evaluated: 2023-12-07. Review status: criteria provided, single submitter. Criteria: Ambry Variant Classification Scheme 2023. Collection method: clinical testing. Allele origin: germline.

Labcorp Genetics (formerly Invitae), Labcorp
Classification: Uncertain significance. Last evaluated: 2022-05-12. Review status: criteria provided, single submitter. Criteria: Invitae Variant Classification Sherloc (09022015). Collection method: clinical testing. Allele origin: germline.
Comment: This sequence change replaces alanine, which is neutral and non-polar, with threonine, which is neutral and polar, at codon 225 of the TCF3 protein (p.Ala225Thr). This variant is present in population databases (rs769408189, gnomAD 0.02%). This variant has not been reported in the literature in individuals affected with TCF3-related conditions. Experimental studies and prediction algorithms are not available or were not evaluated, and the functional significance of this variant is currently unknown. In summary, the available evidence is currently insufficient to determine the role of this variant in disease. Therefore, it has been classified as a Variant of Uncertain Significance.

NM_003200.5(TCF3):c.673G>A (p.Ala225Thr)

Gene: TCF3 (transcription factor 3; minus strand). Cytogenetic location: 19p13.3.
Variant type: single nucleotide variant.
Coding change: c.673G>A on transcript NM_003200.5 (MANE Select); coding-DNA position 673, G replaced by A.
Protein change: p.Ala225Thr; replaces alanine 225 with threonine.
Molecular consequence: missense variant.
Genome position (GRCh38, 1-based): chr19:1,622,203, C>T on the plus strand (G>A on the coding strand, the complement: TCF3 is on the minus strand). VCF-style: chr19-1622203-C-T. GRCh37 (hg19) VCF-style: chr19-1622202-C-T.
Other names: c.673G>A, p.Ala225Thr (NM_001136139.4, NM_001351778.2, NM_001351779.2); c.673G>A (NM_003200.3); short protein forms A225T.
Identifiers: ClinVar variation 1944455 (VCV001944455.6), dbSNP rs769408189, ClinGen allele CA9050261.